The following is an entry in ClinVar:

ClinVar aggregate classification (germline): Uncertain significance (1 of 4 stars; one submission).

Conditions:
ABCB4-related disorder. Also called: ABCB4-related disorders; ABCB4-related condition.

gnomAD v4.1: 22 of 1,614,146 alleles (0.0014%); highest among the groups gnomAD compares: Non-Finnish European, 0.0018%; no homozygotes.

Submission:

PreventionGenetics, part of Exact Sciences
Classification: Uncertain significance for ABCB4-related condition. Last evaluated: 2025-03-03. Review status: criteria provided, single submitter. Criteria: ACMG Guidelines, 2015. Collection method: clinical testing. Allele origin: germline.
Comment: The ABCB4 c.1420G>C variant is predicted to result in the amino acid substitution p.Val474Leu. To our knowledge, this variant has not been reported in the literature. This variant is reported in 0.00088% of alleles in individuals of European (Non-Finnish) descent in gnomAD. At this time, the clinical significance of this variant is uncertain due to the absence of conclusive functional and genetic evidence.

NM_000443.4(ABCB4):c.1420G>C (p.Val474Leu)

Gene: ABCB4 (ATP binding cassette subfamily B member 4; minus strand). Cytogenetic location: 7q21.12.
Variant type: single nucleotide variant.
Coding change: c.1420G>C on transcript NM_000443.4 (MANE Select); coding-DNA position 1420, G replaced by C.
Protein change: p.Val474Leu; replaces valine 474 with leucine.
Molecular consequence: missense variant.
Genome position (GRCh38, 1-based): chr7:87,440,339, C>G on the plus strand (G>C on the coding strand, the complement: ABCB4 is on the minus strand). VCF-style: chr7-87440339-C-G. GRCh37 (hg19) VCF-style: chr7-87069655-C-G.
Other names: c.1420G>C, p.Val474Leu (NM_018849.3, NM_018850.3); short protein forms V474L.
Identifiers: ClinVar variation 4989390 (VCV004989390.1).
Genomic context (GRCh38, chr7:87,440,339, plus strand): 5'-GGCCATAACAAATATTTTCAGCAATTGTGGTGGAAAACAGCACCGGCTCCTGACTCACCA[C>G]ACCAATGATTTCCCTCAGATAGTTTACATTAAAGTTCCTAATATCCTGCCCATCAATGTT-3'
Protein context (NP_000434.1, residues 464-484): NVNYLREIIG[Val474Leu]VSQEPVLFST